The following is an entry in ClinVar:

NM_000350.3(ABCA4):c.4253+43G>A

Gene: ABCA4 (ATP binding cassette subfamily A member 4; minus strand). Cytogenetic location: 1p22.1.
Variant type: single nucleotide variant.
Coding change: c.4253+43G>A on transcript NM_000350.3 (MANE Select); 43 bases into the intron after coding-DNA position 4253, G replaced by A.
Molecular consequence: intron variant.
Genome position (GRCh38, 1-based): chr1:94,030,953, C>T on the plus strand (G>A on the coding strand, the complement: ABCA4 is on the minus strand). VCF-style: chr1-94030953-C-T. GRCh37 (hg19) VCF-style: chr1-94496509-C-T.
Identifiers: ClinVar variation 99265 (VCV000099265.57), dbSNP rs61754045, ClinGen allele CA227172.

ClinVar aggregate classification (germline): Pathogenic. Review status: reviewed by expert panel (3 of 4 stars). 18 submissions from 18 submitters: Pathogenic (1). 17 of the submissions do not count toward it. Last evaluated 2026-05-26.

Conditions:
ABCA4-related disorder. Also called: ABCA4-related disorders; ABCA4-related condition. Identifiers: MedGen CN239167.
ABCA4-related retinopathy. Also called: ABCA4-related retinoapthy; ABCA4 retinoapthy. Identifiers: MedGen CN322612, MONDO:0800406.
Cone-rod dystrophy 3 (CORD3). Identifiers: Orphanet 1872, MedGen C1858806, MONDO:0011395, OMIM 604116.
Retinitis pigmentosa 19 (RP19). Also called: ABCA4-Related Retinitis Pigmentosa. Identifiers: Orphanet 791, MedGen C1866422, MONDO:0011137, OMIM 601718.
Severe early-childhood-onset retinal dystrophy (STGD1). Also called: MACULAR DYSTROPHY WITH FLECKS, TYPE 1; Stargardt macular dystrophy; Juvenile onset macular degeneration; Stargardt disease 1; STGD. Identifiers: Orphanet 364055, Orphanet 827, MedGen C1855465, MeSH D000080362, MONDO:0009549, OMIM 248200.
Retinal dystrophy. Also called: Inherited retinal dystrophy. Identifiers: Orphanet 71862, MedGen C0854723, MeSH D058499, MONDO:0019118, HP:0000556.
Age related macular degeneration 2. Also called: MACULAR DEGENERATION, SENILE; MACULOPATHY, AGE-RELATED, 2; MACULOPATHY, AGE-RELATED. Identifiers: MedGen C3495438, MONDO:0007932, OMIM 153800.
Stargardt disease (FFM). Also called: Fundus flavimaculatus; Stargardt's disease. Identifiers: Orphanet 827, MedGen C0271093, MONDO:0019353.
Retinal disorder. Also called: Retinopathy; Retinopathies; Retinal Diseases; Retinal disorders. Identifiers: MedGen C0035309, MONDO:0005283, HP:0000488.

Allele frequency attached by ClinVar (database versions not stated): gnomAD exomes 0.00472; gnomAD 0.00418 and 0.00486; ExAC 0.00432; TOPMed 0.00452; 1000 Genomes Project 30x 0.00078; 1000 Genomes Project 0.00100; ESP Exome Variant Server 0.00346.
gnomAD v4.1: 8,650 of 1,613,048 alleles (0.54%); highest among the groups gnomAD compares: Non-Finnish European, 0.58%; 22 homozygotes.

Submissions 1 to 7 of 18:

ClinGen ABCA4 Variant Curation Expert Panel, Clingen
Classification: Pathogenic for ABCA4-related retinopathy. Last evaluated: 2026-05-26. Review status: reviewed by expert panel. Criteria: ClinGen ABCA4 ACMG Specifications V1.0.0. Collection method: curation. Allele origin: germline. Inheritance: Autosomal recessive inheritance.
Comment: This variant occurs at intron 28 and is expected to disrupt splicing and trigger an exon-skipping event, leading to a truncated protein product (PVS1 RNA_Strong; PMIDs: 30643219, 38466963). The GroupMax filtering allele frequency in gnomAD v4.1.0 is 0.00572637, which is above the cutoff for BS1_Supporting. However, this variant is considered a BS1 exception. This variant has been detected in at least 18 individuals with ABCA4-related retinopathy. Of those individuals, eight were compound heterozygous for the variant and a pathogenic or likely pathogenic variant and one of those were confirmed in trans by family testing (c.5318C>T,p.Ala1773Val; c.768G>T, p.Val256=; c.1819G>A, p.Gly607Arg; c.5461-10T>C; c.1937+1G>A; c.5714+5G>A; c.6601_6602delAG). One individual was homozygous for the variant (PM3_VeryStrong; PMID: 29925512, 31618761, 29848554, 32531858, 34440443; ClinVar: SCV001478092.3). The variant has been reported to segregate with ABCA4-related retinopathy in the proband and 2 similarly affected relatives (PP1_Moderate; PMID:31618761). Of important note, this is expected to be a mild splicing variant. Therefore, this variant may not lead to a phenotype in all individuals when inherited in trans with another mild ABCA4 variant. In summary, this variant meets the criteria to be classified as pathogenic for ABCA4-related retinopathy based on the ACMG/AMP criteria applied, as specified by the ClinGen ABCA4 VCEP (Specification Version 1.0.0): PVS1 RNA_Strong, PM3_VeryStrong, PP1_Moderate.

Genetics Laboratory, Great Ormond Street Hospital NHS Foundation Trust, North Thames Genomic Laboratory Hub
Classification: Uncertain significance for Retinal disorders. Last evaluated: 2026-09-22. Review status: criteria provided, single submitter. Criteria: ACGS Best Practice Guidelines for Variant Classification in Rare Disease 2024 v1.2. Collection method: clinical testing. Allele origin: germline. Affected: yes. Not counted in ClinVar's aggregate classification.
Comment: PS4_moderate, PVS1_strong

GeneDx
Classification: Pathogenic. Last evaluated: 2026-08-20. Review status: criteria provided, single submitter. Criteria: GeneDx Variant Classification Process June 2021. Collection method: clinical testing. Allele origin: germline. Not counted in ClinVar's aggregate classification.
Comment: Observed frequently in individuals with Stargardt disease (including late-onset forms), inherited retinal degeneration, and age-related macular degeneration without another ABCA4 variant or phase unknown with other ABCA4 variant(s) (PMID: 29925512, 35456422, 35119454, 31614660, 31618761, 29848554, 30643219); Reported as a hypomorphic variant that is associated with late-onset disease when present with a severe ABCA4 variant on the opposite allele (in trans) (PMID: 29848554, 31614660, 34874912, 35353811, 38466963); Compared to individuals with classic Stargardt disease, affected individuals compound heterozygous for this variant were reported to have a milder phenotype, often with foveal sparing and a later onset of symptoms in the fifth to sixth decade (PMID: 29848554, 30643219, 34874912); Located within intron 28, outside the exon-intron boundaries; RNA studies demonstrate a damaging effect: altered splicing with a leaky effect resulting in both normal and aberrant transcripts (PMID: 30643219, 38466963); Observed in the homozygous state in multiple individuals in gnomAD, healthy adults tested at GeneDx, and healthy adults reported in the literature, consistent with the proposed hypomorphic effect (PMID: 31614660); This variant is associated with the following publications: (PMID: 37498587, 35120629, 40571344, 36209838, 31212395, 35353811, 29925512, 31618761, 35456422, 35055178, 34874912, 35119454, 31614660, 32619608, 32307445, 32278709, 33214125, 32531858, 33020556, 31963381, 34440443, 33546218, 30670881, 29848554, 37705246, 36567043, 38036193, 37734845, 37869022, 37979432, 37598860, 38259611, 38927562, 39883546, 39043154, 38219857, 39858579, 39462066, 38540785, 30643219, 38466963)

PreventionGenetics, part of Exact Sciences
Classification: Likely pathogenic for ABCA4-related condition. Last evaluated: 2026-06-09. Review status: criteria provided, single submitter. Criteria: ACMG Guidelines, 2015. Collection method: clinical testing. Allele origin: germline. Not counted in ClinVar's aggregate classification.
Comment: The ABCA4 c.4253+43G>A variant is predicted to interfere with splicing. This variant has been reported, along with a second ABCA4 variant, in several individuals with Stargardt disease (see for examples Zernant et al. 2018. PubMed ID: 29848554; Nassisi et al. 2019. PubMed ID: 31614660; supplementary data, Weisschuh et al. 2020. PubMed ID: 32531858; Song et al. 2021. PubMed ID: 34440443). This variant has also been reported as a 'third' ABCA4 variant along with two likely pathogenic ABCA4 variants (supplementary data, Fujinami et al. 2019. PubMed ID: 29925512). This variant is relatively common, being reported in 1.2% of alleles in individuals of Ashkenazi Jewish descent in gnomAD and with a global allele frequency of 0.47% including 22 homozygotes in the most recent dataset (gnomAD v4.1). Even though common, it has been reported that this variant is significantly enriched in patients compared to the general population (Zernant et al. 2018. PubMed ID: 29848554). A functional study using a mini-gene splicing assay found that this deep intronic variant causes skipping of exon 28, but only in a small proportion of the mRNA (Sangermano et al. 2019. PubMed ID: 30643219). A cohort analysis of individuals with this variant found that the median age of onset for Stargardt disease was 52 years of age which is considered late-onset and penetrance was estimated at ~40% (Runhart. 2019. PubMed ID: 31618761). Given all the evidence, we interpret c.4253+43G>A as likely pathogenic, but with a mild and late-onset phenotype that is likely only observed when in trans with a more severe pathogenic variant.

Institute of Human Genetics, Heidelberg University
Classification: Pathogenic for Severe early-childhood-onset retinal dystrophy. Last evaluated: 2026-05-29. Review status: criteria provided, single submitter. Criteria: ACMG Guidelines, 2015. Collection method: clinical testing. Allele origin: unknown. Affected: yes. Observed: 1 variant allele. Not counted in ClinVar's aggregate classification.
Comment: PM3_vs, PS3_mod

Dasa
Classification: Pathogenic. Last evaluated: 2026-04-20. Review status: criteria provided, single submitter. Criteria: DASA Assertion Criteria. Collection method: clinical testing. Allele origin: germline. Not counted in ClinVar's aggregate classification.
Comment: NM_000350.3(ABCA4):c.4253+43G>A is a splice-region variant predicted to affect normal RNA splicing. Segregation evidence has been reported in affected families. This variant has been observed in affected individuals with related phenotype in a genotype context consistent with recessive disease (PMID: 30643219; PMID: 31618761; PMID: 35353811; PMID: 33546218; PMID: 32307445). Functional evidence supports a deleterious effect on the gene or gene product (PMID: 30643219; PMID: 31618761; PMID: 35353811; PMID: 33546218; PMID: 32307445). This variant has been recurrently observed in individuals with related phenotype (PMID: 30643219; PMID: 31618761; PMID: 35353811; PMID: 33546218; PMID: 32307445). Multiple computational predictions support a deleterious effect on the gene or gene product. The variant is present at low frequency in population datasets. Based on the available data, this variant is classified as pathogenic.

Labcorp Genetics (formerly Invitae), Labcorp
Classification: Pathogenic. Last evaluated: 2026-02-01. Review status: criteria provided, single submitter. Criteria: Invitae Variant Classification Sherloc (09022015). Collection method: clinical testing. Allele origin: germline. Not counted in ClinVar's aggregate classification.
Comment: This sequence change falls in intron 28 of the ABCA4 gene. It does not directly change the encoded amino acid sequence of the ABCA4 protein. This variant is present in population databases (rs61754045, gnomAD 1.3%), including at least one homozygous and/or hemizygous individual. This variant has been observed in individual(s) with Stargardt disease, generally with later onset and possibly reduced penetrance (PMID: 29848554, 31618761). In at least one individual the data is consistent with being in trans (on the opposite chromosome) from a pathogenic variant. ClinVar contains an entry for this variant (Variation ID: 99265). Algorithms developed to predict the effect of sequence changes on RNA splicing suggest that this variant is not likely to affect RNA splicing. For these reasons, this variant has been classified as Pathogenic.